The following is an entry in ClinVar:

ClinVar aggregate classification (germline): Uncertain significance (1 of 4 stars; one submission).

Allele frequency attached by ClinVar (database versions not stated): gnomAD exomes below 0.00001; TOPMed below 0.00001; gnomAD 0.00001.

Submission:

Labcorp Genetics (formerly Invitae), Labcorp
Classification: Uncertain significance. Last evaluated: 2022-06-14. Review status: criteria provided, single submitter. Criteria: Invitae Variant Classification Sherloc (09022015). Collection method: clinical testing. Allele origin: germline.
Comment: This sequence change replaces methionine, which is neutral and non-polar, with leucine, which is neutral and non-polar, at codon 1201 of the INPPL1 protein (p.Met1201Leu). This variant is not present in population databases (gnomAD no frequency). This variant has not been reported in the literature in individuals affected with INPPL1-related conditions. Algorithms developed to predict the effect of missense changes on protein structure and function (SIFT, PolyPhen-2, Align-GVGD) all suggest that this variant is likely to be tolerated. In summary, the available evidence is currently insufficient to determine the role of this variant in disease. Therefore, it has been classified as a Variant of Uncertain Significance.

NM_001567.4(INPPL1):c.3601A>C (p.Met1201Leu)

Gene: INPPL1 (inositol polyphosphate phosphatase like 1; plus strand). Cytogenetic location: 11q13.4.
Variant type: single nucleotide variant.
Coding change: c.3601A>C on transcript NM_001567.4 (MANE Select); coding-DNA position 3601, A replaced by C.
Protein change: p.Met1201Leu; replaces methionine 1201 with leucine.
Molecular consequence: missense variant.
Genome position (GRCh38, 1-based): chr11:72,238,090, A>C. VCF-style: chr11-72238090-A-C. GRCh37 (hg19) VCF-style: chr11-71949134-A-C.
Other names: short protein forms M1201L.
Identifiers: ClinVar variation 1981944 (VCV001981944.1), dbSNP rs1318246398, ClinGen allele CA381740252.
Genomic context (GRCh38, chr11:72,238,090, plus strand): 5'-CTGTTTCCTTAGGCTCCGTGCCTGCAGGGCGGGCGGGCCAGCGGGCTGGGCGAGGCAGGC[A>C]TGAGTGCCTGGCTGCGGGCCATCGGCTTGGAGCGCTATGAGGAGGGCCTGGTGCATAATG-3'
Protein context (NP_001558.3, residues 1191-1211): GRASGLGEAG[Met1201Leu]SAWLRAIGLE